The following is an entry in ClinVar:

ClinVar aggregate classification (germline): Uncertain significance (1 of 4 stars; one submission).

Conditions:
Bloom syndrome (BLM). Also called: Bloom-Torre-Machacek syndrome. Identifiers: Orphanet 125, MedGen C0005859, MONDO:0008876, OMIM 210900.

Submission:

Labcorp Genetics (formerly Invitae), Labcorp
Classification: Uncertain significance for Bloom syndrome. Last evaluated: 2021-08-27. Review status: criteria provided, single submitter. Criteria: Invitae Variant Classification Sherloc (09022015). Collection method: clinical testing. Allele origin: germline.
Comment: This sequence change replaces aspartic acid with glutamic acid at codon 295 of the BLM protein (p.Asp295Glu). The aspartic acid residue is moderately conserved and there is a small physicochemical difference between aspartic acid and glutamic acid. This variant is not present in population databases (ExAC no frequency). This variant has not been reported in the literature in individuals affected with BLM-related conditions. Algorithms developed to predict the effect of missense changes on protein structure and function (SIFT, PolyPhen-2, Align-GVGD) all suggest that this variant is likely to be tolerated. In summary, the available evidence is currently insufficient to determine the role of this variant in disease. Therefore, it has been classified as a Variant of Uncertain Significance.

NM_000057.4(BLM):c.885T>A (p.Asp295Glu)

Gene: BLM (BLM RecQ like helicase; plus strand). Cytogenetic location: 15q26.1.
Variant type: single nucleotide variant.
Coding change: c.885T>A on transcript NM_000057.4 (MANE Select); coding-DNA position 885, T replaced by A.
Protein change: p.Asp295Glu; replaces aspartic acid 295 with glutamic acid.
Molecular consequence: missense variant. On other transcripts: 5 prime UTR variant (1).
Genome position (GRCh38, 1-based): chr15:90,751,872, T>A. VCF-style: chr15-90751872-T-A. GRCh37 (hg19) VCF-style: chr15-91295102-T-A.
Other names: c.885T>A, p.Asp295Glu (NM_001287246.2, NM_001287247.2); c.-407T>A (NM_001287248.2); short protein forms D295E.
Identifiers: ClinVar variation 1393257 (VCV001393257.5), dbSNP rs2151149661, ClinGen allele CA393841807.